The following is an entry in ClinVar:

NM_130837.3(OPA1):c.3040G>C (p.Glu1014Gln)

Gene: OPA1 (OPA1 mitochondrial dynamin like GTPase; plus strand). Cytogenetic location: 3q29.
Variant type: single nucleotide variant.
Coding change: c.3040G>C on transcript NM_130837.3 (MANE Select); coding-DNA position 3040, G replaced by C.
Protein change: p.Glu1014Gln; replaces glutamic acid 1014 with glutamine.
Molecular consequence: missense variant.
Genome position (GRCh38, 1-based): chr3:193,692,119, G>C. VCF-style: chr3-193692119-G-C. GRCh37 (hg19) VCF-style: chr3-193409908-G-C.
Other names: c.2506G>C, p.Glu836Gln (NM_001354663.2); c.2503G>C, p.Glu835Gln (NM_001354664.2); c.2875G>C, p.Glu959Gln (NM_015560.3); c.2767G>C, p.Glu923Gln (NM_130831.3); c.2821G>C, p.Glu941Gln (NM_130832.3); c.2878G>C, p.Glu960Gln (NM_130833.3); c.2929G>C, p.Glu977Gln (NM_130834.3); c.2932G>C, p.Glu978Gln (NM_130835.3); and 1 more; short protein forms E1014Q, E835Q, E836Q, E923Q, E941Q, E959Q, E960Q, E977Q.
Identifiers: ClinVar variation 1320403 (VCV001320403.2), dbSNP rs2109460771, ClinGen allele CA355873374.

ClinVar aggregate classification (germline): Uncertain significance (1 of 4 stars; one submission).

Allele frequency attached by ClinVar (database versions not stated): gnomAD exomes below 0.00001.
gnomAD v4.1: 3 of 1,534,902 alleles (0.0002%); highest among the groups gnomAD compares: Non-Finnish European, 0.00027%; no homozygotes.

Submission:

GeneDx
Classification: Uncertain significance. Last evaluated: 2020-07-07. Review status: criteria provided, single submitter. Criteria: GeneDx Variant Classification Process June 2021. Collection method: clinical testing. Allele origin: germline. Affected: yes.
Comment: Not observed in large population cohorts (Lek et al., 2016); In silico analysis supports that this missense variant does not alter protein structure/function; Has not been previously published as pathogenic or benign to our knowledge